The following is an entry in ClinVar:

NM_000455.5(STK11):c.598-10A>G

Gene: STK11 (serine/threonine kinase 11; plus strand). Cytogenetic location: 19p13.3.
Variant type: single nucleotide variant.
Coding change: c.598-10A>G on transcript NM_000455.5 (MANE Select); 10 bases into the intron before coding-DNA position 598, A replaced by G.
Molecular consequence: intron variant.
Genome position (GRCh38, 1-based): chr19:1,220,571, A>G. VCF-style: chr19-1220571-A-G. GRCh37 (hg19) VCF-style: chr19-1220570-A-G.
Identifiers: ClinVar variation 629048 (VCV000629048.4), dbSNP rs1423679676, ClinGen allele CA783334755.

ClinVar aggregate classification (germline): Conflicting classifications of pathogenicity. Review status: criteria provided, conflicting classifications (1 of 4 stars). 2 submissions from 2 submitters: Uncertain significance (1); Likely benign (1). Last evaluated 2025-03-26.

Conditions:
Hereditary cancer-predisposing syndrome. Also called: Tumor predisposition; Neoplastic Syndromes, Hereditary; Hereditary Cancer Syndrome; Hereditary neoplastic syndrome. Identifiers: Orphanet 140162, MedGen C0027672, MeSH D009386, MONDO:0015356.
Peutz-Jeghers syndrome (PJS). Also called: POLYPOSIS, HAMARTOMATOUS INTESTINAL; POLYPS-AND-SPOTS SYNDROME; Peutz-Jeghers polyposis; Periorificial lentiginosis syndrome. Identifiers: Orphanet 2869, MedGen C0031269, MeSH D010580, MONDO:0008280, OMIM 175200.

Allele frequency attached by ClinVar (database versions not stated): TOPMed below 0.00001; gnomAD 0.00001.
gnomAD v4.1: 1 of 1,574,832 alleles (0.000063%); highest among the groups gnomAD compares: Non-Finnish European, 0.000086%; no homozygotes.

Submissions (2):

Myriad Genetics, Inc.
Classification: Likely benign for Peutz-Jeghers syndrome. Last evaluated: 2025-03-26. Review status: criteria provided, single submitter. Criteria: Myriad Autosomal Dominant, Autosomal Recessive and X-Linked Classification Criteria (2023). Collection method: clinical testing. Allele origin: unknown.
Comment: This variant is considered likely benign. This variant is intronic and is not expected to impact mRNA splicing.

Color Diagnostics, LLC DBA Color Health
Classification: Uncertain significance for Hereditary cancer-predisposing syndrome. Last evaluated: 2019-04-10. Review status: criteria provided, single submitter. Criteria: ACMG Guidelines, 2015. Collection method: clinical testing. Allele origin: germline.